The following is an entry in ClinVar:

ClinVar aggregate classification (germline): Likely benign (1 of 4 stars; one submission).

Conditions:
Aicardi-Goutieres syndrome 3. Identifiers: Orphanet 51, MedGen C1835916, MONDO:0012471, OMIM 610329.

Allele frequency attached by ClinVar (database versions not stated): gnomAD exomes 0.00009; 1000 Genomes Project 30x 0.00047; gnomAD 0.00059 and 0.00067; 1000 Genomes Project 0.00060; TOPMed 0.00068.
gnomAD v4.1: 134 of 609,894 alleles (0.022%); highest among the groups gnomAD compares: African/African-American, 0.22%; no homozygotes.

Submission:

Illumina Laboratory Services, Illumina
Classification: Likely benign for Aicardi-Goutieres syndrome 3. Last evaluated: 2018-01-12. Review status: criteria provided, single submitter. Criteria: ICSL Variant Classification Criteria 13 December 2019. Collection method: clinical testing. Allele origin: germline.
Comment: This variant was observed in the ICSL laboratory as part of a predisposition screen in an ostensibly healthy population. It had not been previously curated by ICSL or reported in the Human Gene Mutation Database (HGMD: prior to June 1st, 2018), and was therefore a candidate for classification through an automated scoring system. Utilizing variant allele frequency, disease prevalence and penetrance estimates, and inheritance mode, an automated score was calculated to assess if this variant is too frequent to cause the disease. Based on the score and internal cut-off values, a variant classified as likely benign is not then subjected to further curation. The score for this variant resulted in a classification of likely benign for this disease.

NM_032193.4(RNASEH2C):c.*295C>T

Genes: RNASEH2C (ribonuclease H2 subunit C; minus strand), KAT5 (lysine acetyltransferase 5; plus strand). Cytogenetic location: 11q13.1.
Variant type: single nucleotide variant.
Coding change: c.*295C>T on transcript NM_032193.4 (MANE Select); 295 bases downstream of the stop codon, C replaced by T.
Molecular consequence: 3 prime UTR variant.
Genome position (GRCh38, 1-based): chr11:65,719,488, G>A on the plus strand (C>T on the coding strand, the complement: RNASEH2C is on the minus strand). VCF-style: chr11-65719488-G-A. GRCh37 (hg19) VCF-style: chr11-65486959-G-A.
Other names: c.*307G>A (NM_001206833.2, NM_006388.4, NM_182709.3 and 1 more transcripts).
Identifiers: ClinVar variation 878691 (VCV000878691.4), dbSNP rs538167829, ClinGen allele CA223998414.
Genomic context (GRCh38, chr11:65,719,488, plus strand): 5'-CAGGCAGCTGTGTACAGTGAGAAGGGATCCGGATGGGGGAGCTCTGTACAGAGGGCTGGT[G>A]ATTGTAAAAATTTCTTTTGTAAAGTAGAAGTTGGGGGTGGGGTGGGTGCTGGCTGCAAAA-3'